The following is an entry in ClinVar:

ClinVar aggregate classification (germline): Pathogenic/Likely pathogenic. Review status: criteria provided, multiple submitters, no conflicts (2 of 4 stars). 3 submissions from 3 submitters: Pathogenic (1); Likely pathogenic (2). Last evaluated 2026-07-01.

Conditions:
Leukoencephalopathy with brain stem and spinal cord involvement-high lactate syndrome (LBSL). Also called: LEUKOENCEPHALOPATHY WITH BRAINSTEM AND SPINAL CORD INVOLVEMENT AND LACTATE ELEVATION, MILD; MITOCHONDRIAL ASPARTYL-tRNA SYNTHETASE DEFICIENCY; Leukoencephalopathy with Brainstem and Spinal Cord Involvement and Lactate Elevation. Identifiers: Orphanet 137898, MedGen C1970180, MONDO:0012622, OMIM 611105.

Allele frequency attached by ClinVar (database versions not stated): gnomAD exomes below 0.00001; ESP Exome Variant Server 0.00008.
gnomAD v4.1: 6 of 1,613,980 alleles (0.00037%); highest among the groups gnomAD compares: Admixed American, 0.0017%; no homozygotes.

Submissions (3):

CeGaT Center for Human Genetics Tuebingen
Classification: Pathogenic. Last evaluated: 2026-07-01. Review status: criteria provided, single submitter. Criteria: CeGaT Center For Human Genetics Tuebingen Variant Classification Criteria Version 2. Collection method: clinical testing. Allele origin: germline. Affected: yes. Observed: 1 variant allele.
Comment: DARS2: PVS1, PM2

Broad Center for Mendelian Genomics, Broad Institute of MIT and Harvard
Classification: Likely pathogenic for Leukoencephalopathy with brain stem and spinal cord involvement-high lactate syndrome. Last evaluated: 2025-01-21. Review status: criteria provided, single submitter. Criteria: ACMG Guidelines, 2015. Collection method: curation. Allele origin: germline. Inheritance: Autosomal recessive inheritance.
Comment: The p.Trp480Ter variant in DARS2 has not been previously reported in the literature in individuals with leukoencephalopathy with brain stem and spinal cord involvement-high lactate syndrome, but has been identified in 0.002% (1/59992) of Admixed American chromosomes by the Genome Aggregation Database (gnomAD; dbSNP rs139747670). Although this variant has been seen in the general population in a heterozygous state, its frequency is low enough to be consistent with a recessive carrier frequency. This variant has also been reported in ClinVar (Variation ID: 2682779) and has been interpreted as likely pathogenic by Mayo Clinic Laboratories (Mayo Clinic). This nonsense variant leads to a premature termination codon at position 480, which is predicted to lead to a truncated or absent protein. Loss of function of the DARS2 gene is an established disease mechanism in leukoencephalopathy with brain stem and spinal cord involvement-high lactate syndrome. In summary, although additional studies are required to fully establish its clinical significance, this variant is likely pathogenic for autosomal recessive leukoencephalopathy with brain stem and spinal cord involvement-high lactate syndrome. ACMG/AMP Criteria applied: PVS1, PM2_supporting (Richards 2015).

Mayo Clinic Laboratories, Mayo Clinic
Classification: Likely pathogenic. Last evaluated: 2022-09-01. Review status: criteria provided, single submitter. Criteria: ACMG Guidelines, 2015. Collection method: clinical testing. Allele origin: germline. Observed: 1 variant allele.
Comment: PM2, PVS1

NM_018122.5(DARS2):c.1440G>A (p.Trp480Ter)

Gene: DARS2 (aspartyl-tRNA synthetase 2, mitochondrial; plus strand). Cytogenetic location: 1q25.1.
Variant type: single nucleotide variant.
Coding change: c.1440G>A on transcript NM_018122.5 (MANE Select); coding-DNA position 1440, G replaced by A.
Protein change: p.Trp480Ter; replaces tryptophan 480 with a stop codon.
Molecular consequence: nonsense.
Genome position (GRCh38, 1-based): chr1:173,853,444, G>A. VCF-style: chr1-173853444-G-A. GRCh37 (hg19) VCF-style: chr1-173822582-G-A.
Other names: p.Trp480*; NM_018122.5(DARS2):c.1440G>A; p.Trp480Ter; c.1287G>A, p.Trp429Ter (NM_001365212.1); short protein forms W429*, W480*.
Identifiers: ClinVar variation 2682779 (VCV002682779.3), dbSNP rs139747670, ClinGen allele CA32783107.